The following is an entry in ClinVar:

ClinVar aggregate classification (germline): Uncertain significance (1 of 4 stars; one submission).

Allele frequency attached by ClinVar (database versions not stated): gnomAD exomes 0.00001; TOPMed 0.00001; ExAC 0.00003; gnomAD 0.00003.
gnomAD v4.1: 10 of 1,613,694 alleles (0.00062%); highest among the groups gnomAD compares: East Asian, 0.022%; no homozygotes.

Submission:

GeneDx
Classification: Uncertain significance. Last evaluated: 2022-07-21. Review status: criteria provided, single submitter. Criteria: GeneDx Variant Classification Process June 2021. Collection method: clinical testing. Allele origin: germline. Affected: yes.
Comment: In silico analysis supports that this missense variant has a deleterious effect on protein structure/function; Has not been previously published as pathogenic or benign to our knowledge

NM_001081.4(CUBN):c.2144C>T (p.Pro715Leu)

Gene: CUBN (cubilin; minus strand). Cytogenetic location: 10p13.
Variant type: single nucleotide variant.
Coding change: c.2144C>T on transcript NM_001081.4 (MANE Select); coding-DNA position 2144, C replaced by T.
Protein change: p.Pro715Leu; replaces proline 715 with leucine.
Molecular consequence: missense variant.
Genome position (GRCh38, 1-based): chr10:17,084,428, G>A on the plus strand (C>T on the coding strand, the complement: CUBN is on the minus strand). VCF-style: chr10-17084428-G-A. GRCh37 (hg19) VCF-style: chr10-17126427-G-A.
Other names: short protein forms P715L.
Identifiers: ClinVar variation 2136072 (VCV002136072.1), dbSNP rs765888067, ClinGen allele CA5425067.